The following is an entry in ClinVar:

NM_000091.5(COL4A3):c.2673_2676delinsATTTTCGA (p.Gly892fs)

Genes: MFF-DT (MFF divergent transcript; minus strand), COL4A3 (collagen type IV alpha 3 chain; plus strand). Cytogenetic location: 2q36.3.
Variant type: Indel.
Coding change: c.2673_2676delinsATTTTCGA on transcript NM_000091.5 (MANE Select); coding-DNA positions 2673 to 2676, TGGG replaced by ATTTTCGA.
Protein change: p.Gly892fs; shifts the reading frame from glycine 892.
Molecular consequence: frameshift variant.
Genome position (GRCh38, 1-based): chr2:227,283,783-227,283,786, TGGG replaced by ATTTTCGA. VCF-style: chr2-227283783-TGGG-ATTTTCGA. GRCh37 (hg19) VCF-style: chr2-228148499-TGGG-ATTTTCGA.
Other names: short protein forms G892fs.
Identifiers: ClinVar variation 1724871 (VCV001724871.2), dbSNP rs2469779530, ClinGen allele CA2580065908.

ClinVar aggregate classification (germline): Likely pathogenic (1 of 4 stars; one submission).

Conditions:
Autosomal recessive Alport syndrome (ATS2). Also called: COL4A3-Related Nephropathy; COL4A4 Alport Syndrome and Thin Basement Membrane Nephropathy; ALPORT SYNDROME 2, AUTOSOMAL RECESSIVE; Alport syndrome type 2. Identifiers: Orphanet 63, Orphanet 88919, MedGen C4746745, MONDO:0008762, OMIM 203780.

Submission:

Myriad Genetics, Inc.
Classification: Likely pathogenic for Autosomal recessive Alport syndrome. Last evaluated: 2022-03-02. Review status: criteria provided, single submitter. Criteria: Myriad Women's Health Autosomal Recessive and X-Linked Classification Criteria (2021). Collection method: clinical testing. Allele origin: unknown.
Comment: NM_000091.4(COL4A3):c.2673_2676del4ins8(G892Ffs*49) is expected to be pathogenic in the context of COL4A3-related Alport syndrome. This variant is predicted to lead to an abnormal or absent protein product due to the creation of a premature termination codon in COL4A3, a gene where loss-of-function variants are known to be pathogenic. Please note: this variant was assessed in the context of healthy population screening.